The following is an entry in ClinVar:

ClinVar aggregate classification (germline): Uncertain significance (1 of 4 stars; one submission).

Conditions:
Kabuki syndrome. Also called: NIIKAWA-KUROKI SYNDROME; Kabuki make-up syndrome. Identifiers: Orphanet 2322, MedGen C0796004, MONDO:0016512.

Submission:

Labcorp Genetics (formerly Invitae), Labcorp
Classification: Uncertain significance for Kabuki syndrome. Last evaluated: 2020-12-27. Review status: criteria provided, single submitter. Criteria: Invitae Variant Classification Sherloc (09022015). Collection method: clinical testing. Allele origin: germline.
Comment: In summary, the available evidence is currently insufficient to determine the role of this variant in disease. Therefore, it has been classified as a Variant of Uncertain Significance. Advanced modeling of protein sequence and biophysical properties (such as structural, functional, and spatial information, amino acid conservation, physicochemical variation, residue mobility, and thermodynamic stability) performed at Invitae indicates that this missense variant is not expected to disrupt KMT2D protein function. This variant has not been reported in the literature in individuals with KMT2D-related conditions. This variant is not present in population databases (ExAC no frequency). This sequence change replaces arginine with proline at codon 2282 of the KMT2D protein (p.Arg2282Pro). The arginine residue is moderately conserved and there is a moderate physicochemical difference between arginine and proline.

NM_003482.4(KMT2D):c.6845G>C (p.Arg2282Pro)

Gene: KMT2D (lysine methyltransferase 2D; minus strand). Cytogenetic location: 12q13.12.
Variant type: single nucleotide variant.
Coding change: c.6845G>C on transcript NM_003482.4 (MANE Select); coding-DNA position 6845, G replaced by C.
Protein change: p.Arg2282Pro; replaces arginine 2282 with proline.
Molecular consequence: missense variant.
Genome position (GRCh38, 1-based): chr12:49,040,925, C>G on the plus strand (G>C on the coding strand, the complement: KMT2D is on the minus strand). VCF-style: chr12-49040925-C-G. GRCh37 (hg19) VCF-style: chr12-49434708-C-G.
Other names: short protein forms R2282P.
Identifiers: ClinVar variation 1356317 (VCV001356317.8), dbSNP rs746386351, ClinGen allele CA384749477.
Genomic context (GRCh38, chr12:49,040,925, plus strand): 5'-GGGGGCCCATAGCTAGGAGAGGATGCCCCAAGCTCTTCCTTCTTCACCTCTAGGGCCTTC[C>G]GGGACTCCCCAAAAGGTGGGGGCGAGAGCAGGGGCTCGGAAGCTTTGCCTCCCCCTACCC-3'
Protein context (NP_003473.3, residues 2272-2292): LLSPPPFGES[Arg2282Pro]KALEVKKEEL